The following is an entry in ClinVar:

ClinVar aggregate classification (germline): Uncertain significance (1 of 4 stars; one submission).

Conditions:
Wilms tumor 1 (WT1). Also called: Wilms tumor, somatic. Identifiers: Orphanet 654, MedGen CN033288, MONDO:0008679, OMIM 194070.

Submission:

Labcorp Genetics (formerly Invitae), Labcorp
Classification: Uncertain significance for Wilms tumor 1. Last evaluated: 2026-01-12. Review status: criteria provided, single submitter. Criteria: Invitae Variant Classification Sherloc (09022015). Collection method: clinical testing. Allele origin: germline.
Comment: This sequence change replaces isoleucine, which is neutral and non-polar, with serine, which is neutral and polar, at codon 292 of the GPC3 protein (p.Ile292Ser). This variant is not present in population databases (gnomAD no frequency). This variant has not been reported in the literature in individuals affected with GPC3-related conditions. Invitae Evidence Modeling of protein sequence and biophysical properties (such as structural, functional, and spatial information, amino acid conservation, physicochemical variation, residue mobility, and thermodynamic stability) indicates that this missense variant is expected to disrupt GPC3 protein function with a positive predictive value of 80%. In summary, the available evidence is currently insufficient to determine the role of this variant in disease. Therefore, it has been classified as a Variant of Uncertain Significance.

NM_004484.4(GPC3):c.875T>G (p.Ile292Ser)

Gene: GPC3 (glypican 3; minus strand). Cytogenetic location: Xq26.2.
Variant type: single nucleotide variant.
Coding change: c.875T>G on transcript NM_004484.4 (MANE Select); coding-DNA position 875, T replaced by G.
Protein change: p.Ile292Ser; replaces isoleucine 292 with serine.
Molecular consequence: missense variant.
Genome position (GRCh38, 1-based): chrX:133,753,639, A>C on the plus strand (T>G on the coding strand, the complement: GPC3 is on the minus strand). VCF-style: chrX-133753639-A-C. GRCh37 (hg19) VCF-style: chrX-132887666-A-C.
Other names: c.875T>G, p.Ile292Ser (NM_001164617.2); c.827T>G, p.Ile276Ser (NM_001164618.2); c.713T>G, p.Ile238Ser (NM_001164619.2); short protein forms I238S, I292S, I276S.
Identifiers: ClinVar variation 4744873 (VCV004744873.1).